The following is an entry in ClinVar:

NM_014283.5(SUCO):c.2320G>A (p.Asp774Asn)

Gene: SUCO (SUN domain containing ossification factor; plus strand). Cytogenetic location: 1q24.3.
Variant type: single nucleotide variant.
Coding change: c.2320G>A on transcript NM_014283.5 (MANE Select); coding-DNA position 2320, G replaced by A.
Protein change: p.Asp774Asn; replaces aspartic acid 774 with asparagine.
Molecular consequence: missense variant. On other transcripts: intron variant (1).
Genome position (GRCh38, 1-based): chr1:172,589,421, G>A. VCF-style: chr1-172589421-G-A. GRCh37 (hg19) VCF-style: chr1-172558561-G-A.
Other names: c.631G>A, p.Asp211Asn (NM_001282751.2); c.2773G>A, p.Asp925Asn (NM_016227.4); c.1712+497G>A (NM_001282750.2); short protein forms D211N, D774N, D925N.
Identifiers: ClinVar variation 3014217 (VCV003014217.3), dbSNP rs371070725, ClinGen allele CA1247061.

ClinVar aggregate classification (germline): Uncertain significance (1 of 4 stars; one submission).

gnomAD v4.1: 27 of 1,613,288 alleles (0.0017%); highest among the groups gnomAD compares: South Asian, 0.0055%; no homozygotes.

Submission:

Labcorp Genetics (formerly Invitae), Labcorp
Classification: Uncertain significance. Last evaluated: 2023-04-15. Review status: criteria provided, single submitter. Criteria: Invitae Variant Classification Sherloc (09022015). Collection method: clinical testing. Allele origin: germline.
Comment: An algorithm developed to predict the effect of missense changes on protein structure and function (PolyPhen-2) suggests that this variant is likely to be tolerated. This variant has not been reported in the literature in individuals affected with SUCO-related conditions. The frequency data for this variant in the population databases is considered unreliable, as metrics indicate poor data quality at this position in the gnomAD database. This sequence change replaces aspartic acid, which is acidic and polar, with asparagine, which is neutral and polar, at codon 774 of the SUCO protein (p.Asp774Asn). In summary, the available evidence is currently insufficient to determine the role of this variant in disease. Therefore, it has been classified as a Variant of Uncertain Significance.